The following is an entry in ClinVar:

ClinVar aggregate classification (germline): Uncertain significance. Review status: criteria provided, multiple submitters, no conflicts (2 of 4 stars). 2 submissions from 2 submitters: Uncertain significance (2). Last evaluated 2022-04-07.

Conditions:
Inborn genetic diseases. Identifiers: MedGen C0950123, MeSH D030342.
Hereditary spastic paraplegia 11. Also called: Nakamura Osame syndrome; Autosomal recessive hereditary spastic paraplegia, mental impairment, and thin corpus callosum; SPASTIC PARAPLEGIA, AUTOSOMAL RECESSIVE, COMPLICATED, WITH THIN CORPUS CALLOSUM; SPASTIC PARAPLEGIA, AUTOSOMAL RECESSIVE, WITH MENTAL IMPAIRMENT AND THIN CORPUS CALLOSUM; Spastic paraplegia, mental retardation and thin corpus callosum; Spastic Paraplegia 11. Identifiers: Orphanet 2822, MedGen C1858479, MONDO:0011445, OMIM 604360.

Allele frequency attached by ClinVar (database versions not stated): gnomAD exomes below 0.00001 and 0.00002; ExAC 0.00001; gnomAD 0.00001; TOPMed 0.00001.
gnomAD v4.1: 27 of 1,614,004 alleles (0.0017%); highest among the groups gnomAD compares: Non-Finnish European, 0.0022%; no homozygotes.

Submissions (2):

Labcorp Genetics (formerly Invitae), Labcorp
Classification: Uncertain significance for Hereditary spastic paraplegia 11. Last evaluated: 2022-04-07. Review status: criteria provided, single submitter. Criteria: Invitae Variant Classification Sherloc (09022015). Collection method: clinical testing. Allele origin: germline.
Comment: This sequence change replaces glutamine, which is neutral and polar, with glutamic acid, which is acidic and polar, at codon 1601 of the SPG11 protein (p.Gln1601Glu). This variant is present in population databases (rs764442362, gnomAD 0.0009%). This variant has not been reported in the literature in individuals affected with SPG11-related conditions. ClinVar contains an entry for this variant (Variation ID: 577803). Algorithms developed to predict the effect of missense changes on protein structure and function are either unavailable or do not agree on the potential impact of this missense change (SIFT: "Deleterious"; PolyPhen-2: "Possibly Damaging"; Align-GVGD: "Class C0"). In summary, the available evidence is currently insufficient to determine the role of this variant in disease. Therefore, it has been classified as a Variant of Uncertain Significance.

Ambry Genetics
Classification: Uncertain significance for Inborn genetic diseases. Last evaluated: 2022-01-07. Review status: criteria provided, single submitter. Criteria: Ambry Variant Classification Scheme 2023. Collection method: clinical testing. Allele origin: germline.
Comment: The p.Q1601E variant (also known as c.4801C>G), located in coding exon 28 of the SPG11 gene, results from a C to G substitution at nucleotide position 4801. The glutamine at codon 1601 is replaced by glutamic acid, an amino acid with highly similar properties. This amino acid position is conserved. In addition, the in silico prediction for this alteration is inconclusive. Since supporting evidence is limited at this time, the clinical significance of this alteration remains unclear.

NM_025137.4(SPG11):c.4801C>G (p.Gln1601Glu)

Gene: SPG11 (SPG11 vesicle trafficking associated, spatacsin; minus strand). Cytogenetic location: 15q21.1.
Variant type: single nucleotide variant.
Coding change: c.4801C>G on transcript NM_025137.4 (MANE Select); coding-DNA position 4801, C replaced by G.
Protein change: p.Gln1601Glu; replaces glutamine 1601 with glutamic acid.
Molecular consequence: missense variant.
Genome position (GRCh38, 1-based): chr15:44,589,357, G>C on the plus strand (C>G on the coding strand, the complement: SPG11 is on the minus strand). VCF-style: chr15-44589357-G-C. GRCh37 (hg19) VCF-style: chr15-44881555-G-C.
Other names: c.4801C>G, p.Gln1601Glu (NM_001160227.2); short protein forms Q1601E.
Identifiers: ClinVar variation 577803 (VCV000577803.9), dbSNP rs764442362, ClinGen allele CA7534577.